The following is an entry in ClinVar:

ClinVar aggregate classification (germline): Uncertain significance (1 of 4 stars; one submission).

Submission:

GeneDx
Classification: Uncertain significance. Last evaluated: 2022-10-04. Review status: criteria provided, single submitter. Criteria: GeneDx Variant Classification Process June 2021. Collection method: clinical testing. Allele origin: germline. Affected: yes.
Comment: Not observed at significant frequency in large population cohorts (gnomAD); In silico analysis supports that this missense variant does not alter protein structure/function; Has not been previously published as pathogenic or benign to our knowledge

NM_004667.6(HERC2):c.6424C>G (p.Leu2142Val)

Gene: HERC2 (HECT and RLD domain containing E3 ubiquitin protein ligase 2; minus strand). Cytogenetic location: 15q13.1.
Variant type: single nucleotide variant.
Coding change: c.6424C>G on transcript NM_004667.6 (MANE Select); coding-DNA position 6424, C replaced by G.
Protein change: p.Leu2142Val; replaces leucine 2142 with valine.
Molecular consequence: missense variant.
Genome position (GRCh38, 1-based): chr15:28,214,207, G>C on the plus strand (C>G on the coding strand, the complement: HERC2 is on the minus strand). VCF-style: chr15-28214207-G-C. GRCh37 (hg19) VCF-style: chr15-28459353-G-C.
Other names: short protein forms L2142V.
Identifiers: ClinVar variation 2497806 (VCV002497806.1), dbSNP rs2549146258, ClinGen allele CA391401001.